The following is an entry in ClinVar:

NM_001374736.1(DST):c.19177C>T (p.Arg6393Trp)

Gene: DST (dystonin; minus strand). Cytogenetic location: 6p12.1.
Variant type: single nucleotide variant.
Coding change: c.19177C>T on transcript NM_001374736.1 (MANE Select); coding-DNA position 19177, C replaced by T.
Protein change: p.Arg6393Trp; replaces arginine 6393 with tryptophan.
Molecular consequence: missense variant.
Genome position (GRCh38, 1-based): chr6:56,508,591, G>A on the plus strand (C>T on the coding strand, the complement: DST is on the minus strand). VCF-style: chr6-56508591-G-A. GRCh37 (hg19) VCF-style: chr6-56373389-G-A.
Other names: c.12820C>T, p.Arg4274Trp (NM_001144769.5); c.12406C>T, p.Arg4136Trp (NM_001144770.2); c.19177C>T, p.Arg6393Trp (NM_001374722.1); c.18217C>T, p.Arg6073Trp (NM_001374729.1); c.11959C>T, p.Arg3987Trp (NM_001374730.1); c.19204C>T, p.Arg6402Trp (NM_001374734.1); c.12286C>T, p.Arg4096Trp (NM_001386100.1, NM_183380.4); c.11308C>T, p.Arg3770Trp (NM_015548.5); short protein forms R3987W, R6393W, R4274W, R4096W, R6402W, R3770W, R4136W, R6073W.
Identifiers: ClinVar variation 1517689 (VCV001517689.3), dbSNP rs767994407, ClinGen allele CA3867061.
Genomic context (GRCh38, chr6:56,508,591, plus strand): 5'-CTGCTGCTTCTTGCTGTTGTTTTACTACTGAAGGATCAATTCCAGGATCTTCCAGGTCCC[G>A]GATGAAATCTTGAGTATCTTTAATGGTAACTATCAATGACATGTGATCACACCAGAACTT-3'
Protein context (NP_001361665.1, residues 6383-6403): VTIKDTQDFI[Arg6393Trp]DLEDPGIDPS

ClinVar aggregate classification (germline): Uncertain significance (1 of 4 stars; one submission).

Conditions:
Epidermolysis bullosa simplex 3, localized or generalized intermediate, with BP230 deficiency (EBS3). Also called: Epidermolysis bullosa simplex due to BP230 deficiency; Epidermolysis bullosa simplex, autosomal recessive 2. Identifiers: Orphanet 412181, MedGen C3809470, MONDO:0014180, OMIM 615425.
Hereditary sensory and autonomic neuropathy type 6. Also called: HSAN VI; Neuropathy, hereditary sensory and autonomic, type VI. Identifiers: Orphanet 314381, MedGen C3539003, MONDO:0013839, OMIM 614653.

Allele frequency attached by ClinVar (database versions not stated): gnomAD 0.00003 and 0.00004.
gnomAD v4.1: 24 of 1,613,784 alleles (0.0015%); highest among the groups gnomAD compares: South Asian, 0.0066%; no homozygotes.

Submission:

Labcorp Genetics (formerly Invitae), Labcorp
Classification: Uncertain significance for Epidermolysis bullosa simplex 3, localized or generalized intermediate, with BP230 deficiency; Hereditary sensory and autonomic neuropathy type 6. Last evaluated: 2022-01-17. Review status: criteria provided, single submitter. Criteria: Invitae Variant Classification Sherloc (09022015). Collection method: clinical testing. Allele origin: germline.
Comment: The DST gene has multiple clinically relevant transcripts. This variant occurs in alternate transcript NM_015548.4, and corresponds to NM_001723.5:c.*106926C>T in the primary transcript. This sequence change replaces arginine, which is basic and polar, with tryptophan, which is neutral and slightly polar, at codon 3770 of the DST protein (p.Arg3770Trp). This variant is present in population databases (rs767994407, gnomAD 0.02%). This variant has not been reported in the literature in individuals affected with DST-related conditions. Experimental studies and prediction algorithms are not available or were not evaluated, and the functional significance of this variant is currently unknown. In summary, the available evidence is currently insufficient to determine the role of this variant in disease. Therefore, it has been classified as a Variant of Uncertain Significance.